The following is an entry in ClinVar:

NM_005618.4(DLL1):c.2151C>T (p.Cys717=)

Genes: DLL1 (delta like canonical Notch ligand 1; minus strand), LOC126859913 (P300/CBP strongly-dependent group 1 enhancer GRCh37_chr6:170591232-170592431; plus strand). Cytogenetic location: 6q27.
Variant type: single nucleotide variant.
Coding change: c.2151C>T on transcript NM_005618.4 (MANE Select); coding-DNA position 2151, C replaced by T.
Protein change: p.Cys717=; no amino-acid change (cysteine 717 retained).
Molecular consequence: synonymous variant.
Genome position (GRCh38, 1-based): chr6:170,283,003, G>A on the plus strand (C>T on the coding strand, the complement: DLL1 is on the minus strand). VCF-style: chr6-170283003-G-A. GRCh37 (hg19) VCF-style: chr6-170592091-G-A.
Identifiers: ClinVar variation 1639588 (VCV001639588.37), dbSNP rs373200536, ClinGen allele CA4106603.

ClinVar aggregate classification (germline): Likely benign. Review status: criteria provided, multiple submitters, no conflicts (2 of 4 stars). 2 submissions from 2 submitters: Likely benign (2). Last evaluated 2026-01-11.

Allele frequency attached by ClinVar (database versions not stated): gnomAD exomes 0.00008 and 0.00014; ExAC 0.00009; TOPMed 0.00010; gnomAD 0.00011 and 0.00012; ESP Exome Variant Server 0.00015.
gnomAD v4.1: 245 of 1,614,012 alleles (0.015%); highest among the groups gnomAD compares: Non-Finnish European, 0.017%; no homozygotes.

Submissions (2):

Labcorp Genetics (formerly Invitae), Labcorp
Classification: Likely benign. Last evaluated: 2026-01-11. Review status: criteria provided, single submitter. Criteria: Invitae Variant Classification Sherloc (09022015). Collection method: clinical testing. Allele origin: germline.

CeGaT Center for Human Genetics Tuebingen
Classification: Likely benign. Last evaluated: 2022-10-01. Review status: criteria provided, single submitter. Criteria: CeGaT Center For Human Genetics Tuebingen Variant Classification Criteria Version 2. Collection method: clinical testing. Allele origin: germline. Affected: yes. Observed: 1 variant allele.
Comment: DLL1: BP4, BP7